The following is an entry in ClinVar:

NM_000430.4(PAFAH1B1):c.1075G>T (p.Asp359Tyr)

Gene: PAFAH1B1 (platelet activating factor acetylhydrolase 1b regulatory subunit 1; plus strand). Cytogenetic location: 17p13.3.
Variant type: single nucleotide variant.
Coding change: c.1075G>T on transcript NM_000430.4 (MANE Select); coding-DNA position 1075, G replaced by T.
Protein change: p.Asp359Tyr; replaces aspartic acid 359 with tyrosine.
Molecular consequence: missense variant.
Genome position (GRCh38, 1-based): chr17:2,680,236, G>T. VCF-style: chr17-2680236-G-T. GRCh37 (hg19) VCF-style: chr17-2583530-G-T.
Other names: short protein forms D359Y.
Identifiers: ClinVar variation 1429913 (VCV001429913.6), dbSNP rs2151673928, ClinGen allele CA397642526.

ClinVar aggregate classification (germline): Uncertain significance (1 of 4 stars; one submission).

Submission:

Labcorp Genetics (formerly Invitae), Labcorp
Classification: Uncertain significance. Last evaluated: 2021-08-10. Review status: criteria provided, single submitter. Criteria: Invitae Variant Classification Sherloc (09022015). Collection method: clinical testing. Allele origin: germline.
Comment: This sequence change replaces aspartic acid with tyrosine at codon 359 of the PAFAH1B1 protein (p.Asp359Tyr). The aspartic acid residue is highly conserved and there is a large physicochemical difference between aspartic acid and tyrosine. This variant is not present in population databases (ExAC no frequency). This variant has been observed in individual(s) with clinical features of PAFAH1B1-related conditions (Invitae). Algorithms developed to predict the effect of missense changes on protein structure and function (SIFT, PolyPhen-2, Align-GVGD) all suggest that this variant is likely to be disruptive. In summary, the available evidence is currently insufficient to determine the role of this variant in disease. Therefore, it has been classified as a Variant of Uncertain Significance.